The following is an entry in ClinVar:

ClinVar aggregate classification (germline): Pathogenic (1 of 4 stars; one submission).

Conditions:
Mucopolysaccharidosis, MPS-III-B (MPS3B). Also called: N-ACETYL-ALPHA-D-GLUCOSAMINIDASE DEFICIENCY; NAGLU DEFICIENCY; SANFILIPPO SYNDROME B; MPS III B; MUCOPOLYSACCHARIDOSIS, TYPE IIIB; Mucopolysaccharidosis type IIIB (Sanfilippo B). Identifiers: Orphanet 79270, MedGen C0086648, MONDO:0009656, OMIM 252920.

Submission:

Myriad Genetics, Inc.
Classification: Pathogenic for Mucopolysaccharidosis, MPS-III-B. Last evaluated: 2023-09-27. Review status: criteria provided, single submitter. Criteria: Myriad Autosomal Dominant, Autosomal Recessive and X-Linked Classification Criteria (2023). Collection method: clinical testing. Allele origin: unknown.
Comment: NM_000263.3(NAGLU):c.248dupT(A84Gfs*108) is expected to be pathogenic in the context of mucopolysaccharidosis type IIIB. This variant is predicted to lead to an abnormal or absent protein product due to the creation of a premature termination codon in NAGLU, a gene where loss-of-function variants are known to be pathogenic. Please note: this variant was assessed in the context of healthy population screening.

NM_000263.4(NAGLU):c.248dup (p.Ala84fs)

Genes: NAGLU (N-acetyl-alpha-glucosaminidase; plus strand), LOC130060903 (ATAC-STARR-seq lymphoblastoid silent region 8533; plus strand). Cytogenetic location: 17q21.2.
Variant type: Duplication.
Coding change: c.248dup on transcript NM_000263.4 (MANE Select); coding-DNA position 248, one base duplicated (T; older notation c.248dupT).
Protein change: p.Ala84fs; shifts the reading frame from alanine 84.
Molecular consequence: frameshift variant.
Genome position (GRCh38, 1-based): chr17:42,536,520, T duplicated. VCF-style (leftmost placement, unchanged base first): chr17-42536519-G-GT. GRCh37 (hg19) VCF-style: chr17-40688537-G-GT.
Other names: short protein forms A84fs.
Identifiers: ClinVar variation 5012166 (VCV005012166.1).